The following is an entry in ClinVar:

ClinVar aggregate classification (germline): Likely benign (1 of 4 stars; one submission).

Submission:

CeGaT Center for Human Genetics Tuebingen
Classification: Likely benign. Last evaluated: 2022-10-01. Review status: criteria provided, single submitter. Criteria: CeGaT Center For Human Genetics Tuebingen Variant Classification Criteria Version 2. Collection method: clinical testing. Allele origin: germline. Affected: yes. Observed: 1 variant allele.
Comment: MUC4: BP4, BP7

NM_018406.7(MUC4):c.10494C>T (p.Ser3498=)

Gene: MUC4 (mucin 4, cell surface associated). Cytogenetic location: 3q29.
Variant type: single nucleotide variant.
Coding change: c.10494C>T on transcript NM_018406.7 (MANE Select); coding-DNA position 10494, C replaced by T.
Protein change: p.Ser3498=; no amino-acid change (serine 3498 retained).
Molecular consequence: synonymous variant. On other transcripts: genic upstream transcript variant (2).
Genome position (GRCh38, 1-based): chr3:195,781,086, G>A on the plus strand (C>T on the coding strand, the complement: MUC4 is on the minus strand). VCF-style: chr3-195781086-G-A. GRCh37 (hg19) VCF-style: chr3-195507957-G-A.
Other names: c.15264C>T, p.Ser5088= (NM_001322468.1); c.83-6781C>T (NM_138297.5); c.83-2631C>T (NM_004532.6).
Identifiers: ClinVar variation 2654426 (VCV002654426.24), dbSNP rs769759889, ClinGen allele CA438037976.